The following is an entry in ClinVar:

NM_005506.4(SCARB2):c.612+5G>A

Gene: SCARB2 (scavenger receptor class B member 2; minus strand). Cytogenetic location: 4q21.1.
Variant type: single nucleotide variant.
Coding change: c.612+5G>A on transcript NM_005506.4 (MANE Select); 5 bases into the intron after coding-DNA position 612, G replaced by A.
Molecular consequence: intron variant.
Genome position (GRCh38, 1-based): chr4:76,179,512, C>T on the plus strand (G>A on the coding strand, the complement: SCARB2 is on the minus strand). VCF-style: chr4-76179512-C-T. GRCh37 (hg19) VCF-style: chr4-77100665-C-T.
Other names: c.276-3602G>A (NM_001204255.2).
Identifiers: ClinVar variation 1051325 (VCV001051325.9), dbSNP rs1019363350, ClinGen allele CA99838874.

ClinVar aggregate classification (germline): Uncertain significance. Review status: criteria provided, multiple submitters, no conflicts (2 of 4 stars). 2 submissions from 2 submitters: Uncertain significance (2). Last evaluated 2022-05-13.

Conditions:
Progressive myoclonic epilepsy. Also called: Myoclonic Epilepsies, Progressive; Myoclonus epilepsy; Familial progressive myoclonic epilepsy; Progressive myoclonus epilepsy. Identifiers: Orphanet 308, Orphanet 98261, MedGen C0751778, MONDO:0020074.
Inborn genetic diseases. Identifiers: MedGen C0950123, MeSH D030342.

Allele frequency attached by ClinVar (database versions not stated): gnomAD exomes below 0.00001; gnomAD 0.00001.
gnomAD v4.1: 5 of 1,608,730 alleles (0.00031%); highest among the groups gnomAD compares: Non-Finnish European, 0.00034%; no homozygotes.

Submissions (2):

Labcorp Genetics (formerly Invitae), Labcorp
Classification: Uncertain significance for Progressive myoclonic epilepsy. Last evaluated: 2022-05-13. Review status: criteria provided, single submitter. Criteria: Invitae Variant Classification Sherloc (09022015). Collection method: clinical testing. Allele origin: germline.
Comment: This sequence change falls in intron 4 of the SCARB2 gene. It does not directly change the encoded amino acid sequence of the SCARB2 protein. It affects a nucleotide within the consensus splice site. This variant is present in population databases (no rsID available, gnomAD 0.007%). In summary, the available evidence is currently insufficient to determine the role of this variant in disease. Therefore, it has been classified as a Variant of Uncertain Significance. Variants that disrupt the consensus splice site are a relatively common cause of aberrant splicing (PMID: 17576681, 9536098). Algorithms developed to predict the effect of sequence changes on RNA splicing suggest that this variant may disrupt the consensus splice site. ClinVar contains an entry for this variant (Variation ID: 1051325). This variant has not been reported in the literature in individuals affected with SCARB2-related conditions.

Ambry Genetics
Classification: Uncertain significance for Inborn genetic diseases. Last evaluated: 2019-02-16. Review status: criteria provided, single submitter. Criteria: Ambry Variant Classification Scheme 2023. Collection method: clinical testing. Allele origin: germline.
Comment: The c.612+5G>A intronic variant results from a G to A substitution 5 nucleotides after coding exon 4 in the SCARB2 gene. This nucleotide position is highly conserved in available vertebrate species. Using the BDGP and ESEfinder splice site prediction tools, this alteration is not predicted to have any significant effect on this splice donor site; however, direct evidence is unavailable. Since supporting evidence is limited at this time, the clinical significance of this alteration remains unclear.

Literature cited by the submitters: PubMed 17576681 (cited by Labcorp Genetics (formerly Invitae), Labcorp); PubMed 9536098 (cited by Labcorp Genetics (formerly Invitae), Labcorp).